The following is an entry in ClinVar:

NM_013296.5(GPSM2):c.1748G>A (p.Ser583Asn)

Gene: GPSM2 (G protein signaling modulator 2; plus strand). Cytogenetic location: 1p13.3.
Variant type: single nucleotide variant.
Coding change: c.1748G>A on transcript NM_013296.5 (MANE Select); coding-DNA position 1748, G replaced by A.
Protein change: p.Ser583Asn; replaces serine 583 with asparagine.
Molecular consequence: missense variant.
Genome position (GRCh38, 1-based): chr1:108,924,147, G>A. VCF-style: chr1-108924147-G-A. GRCh37 (hg19) VCF-style: chr1-109466769-G-A.
Other names: c.1748G>A, p.Ser583Asn (NM_001321038.2, NM_001321039.3); short protein forms S583N.
Identifiers: ClinVar variation 1311587 (VCV001311587.2), dbSNP rs1650951252, ClinGen allele CA341451653.

ClinVar aggregate classification (germline): Uncertain significance (1 of 4 stars; one submission).

Allele frequency attached by ClinVar (database versions not stated): gnomAD exomes below 0.00001; gnomAD 0.00001; TOPMed 0.00001.
gnomAD v4.1: 6 of 1,613,760 alleles (0.00037%); highest among the groups gnomAD compares: African/African-American, 0.004%; no homozygotes.

Submission:

GeneDx
Classification: Uncertain significance. Last evaluated: 2019-12-24. Review status: criteria provided, single submitter. Criteria: GeneDx Variant Classification Process June 2021. Collection method: clinical testing. Allele origin: germline. Affected: yes.
Comment: Not observed in large population cohorts (Lek et al., 2016); In silico analysis, which includes protein predictors and evolutionary conservation, supports that this variant does not alter protein structure/function; Has not been previously published as pathogenic or benign to our knowledge